The following is an entry in ClinVar:

ClinVar aggregate classification (germline): Uncertain significance. Review status: criteria provided, multiple submitters, no conflicts (2 of 4 stars). 2 submissions from 2 submitters: Uncertain significance (2). Last evaluated 2024-07-26.

Allele frequency attached by ClinVar (database versions not stated): TOPMed below 0.00001; ExAC 0.00001; gnomAD 0.00001.

Submissions (2):

Ambry Genetics
Classification: Uncertain significance. Last evaluated: 2024-07-26. Review status: criteria provided, single submitter. Criteria: Ambry Variant Classification Scheme 2023. Collection method: clinical testing. Allele origin: germline.

Labcorp Genetics (formerly Invitae), Labcorp
Classification: Uncertain significance. Last evaluated: 2022-05-24. Review status: criteria provided, single submitter. Criteria: Invitae Variant Classification Sherloc (09022015). Collection method: clinical testing. Allele origin: germline.
Comment: This sequence change replaces arginine, which is basic and polar, with tryptophan, which is neutral and slightly polar, at codon 80 of the TRAPPC3 protein (p.Arg80Trp). In summary, the available evidence is currently insufficient to determine the role of this variant in disease. Therefore, it has been classified as a Variant of Uncertain Significance. Algorithms developed to predict the effect of sequence changes on RNA splicing suggest that this variant may disrupt the consensus splice site. Algorithms developed to predict the effect of missense changes on protein structure and function are either unavailable or do not agree on the potential impact of this missense change (SIFT: "Deleterious"; PolyPhen-2: "Not Available"; Align-GVGD: "Class C0"). This variant has not been reported in the literature in individuals affected with TRAPPC3-related conditions. This variant is present in population databases (rs750406913, gnomAD 0.009%).

NM_014408.5(TRAPPC3):c.214C>T (p.Arg72Trp)

Gene: TRAPPC3 (trafficking protein particle complex subunit 3; minus strand). Cytogenetic location: 1p34.3.
Variant type: single nucleotide variant.
Coding change: c.214C>T on transcript NM_014408.5 (MANE Select); coding-DNA position 214, C replaced by T.
Protein change: p.Arg72Trp; replaces arginine 72 with tryptophan.
Molecular consequence: missense variant. On other transcripts: intron variant (1).
Genome position (GRCh38, 1-based): chr1:36,139,746, G>A on the plus strand (C>T on the coding strand, the complement: TRAPPC3 is on the minus strand). VCF-style: chr1-36139746-G-A. GRCh37 (hg19) VCF-style: chr1-36605347-G-A.
Other names: c.214C>T (NM_014408.3); c.238C>T, p.Arg80Trp (NM_001270894.2); c.76C>T, p.Arg26Trp (NM_001270895.2, NM_001270896.2); c.43-1768C>T (NM_001270897.2); short protein forms R26W, R72W, R80W.
Identifiers: ClinVar variation 2046565 (VCV002046565.5), dbSNP rs750406913, ClinGen allele CA765330.